The following is an entry in ClinVar:

ClinVar aggregate classification (germline): Uncertain significance (1 of 4 stars; one submission).

gnomAD v4.1: 2 of 1,613,594 alleles (0.00012%); highest among the groups gnomAD compares: Non-Finnish European, 0.00017%; no homozygotes.

Submission:

Athena Diagnostics
Classification: Uncertain significance. Last evaluated: 2023-11-01. Review status: criteria provided, single submitter. Criteria: Athena Diagnostics Criteria. Collection method: clinical testing. Allele origin: unknown.
Comment: Available data are insufficient to determine the clinical significance of the variant at this time. This variant has not been reported in large, multi-ethnic general populations. Computational tools predict that this variant is not damaging.

NM_014363.6(SACS):c.9232A>C (p.Asn3078His)

Gene: SACS (sacsin molecular chaperone; minus strand). Cytogenetic location: 13q12.12.
Variant type: single nucleotide variant.
Coding change: c.9232A>C on transcript NM_014363.6 (MANE Select); coding-DNA position 9232, A replaced by C.
Protein change: p.Asn3078His; replaces asparagine 3078 with histidine.
Molecular consequence: missense variant.
Genome position (GRCh38, 1-based): chr13:23,334,644, T>G on the plus strand (A>C on the coding strand, the complement: SACS is on the minus strand). VCF-style: chr13-23334644-T-G. GRCh37 (hg19) VCF-style: chr13-23908783-T-G.
Other names: c.8791A>C, p.Asn2931His (NM_001278055.2); short protein forms N3078H, N2931H.
Identifiers: ClinVar variation 3571648 (VCV003571648.1).